The following is an entry in ClinVar:

NM_001161748.2(LIM2):c.176-3_176-2del

Gene: LIM2 (lens intrinsic membrane protein 2; minus strand). Cytogenetic location: 19q13.41.
Variant type: Microsatellite.
Coding change: c.176-3_176-2del on transcript NM_001161748.2 (MANE Select); 3 bases into the intron before coding-DNA position 176 through the canonical splice acceptor site of the intron before coding-DNA position 176, 2 bases deleted (CA; older notation c.176-3_176-2delCA).
Molecular consequence: splice acceptor variant.
Genome position (GRCh38, 1-based): chr19:51,382,569-51,382,570, TG deleted on the plus strand (CA on the coding strand, the reverse complement: LIM2 is on the minus strand); deleting any 2 consecutive bases within chr19:51,382,569-51,382,572 gives the same sequence; the c. name uses the placement nearest the transcript's 3' end. VCF-style (leftmost placement, unchanged base first): chr19-51382568-CTG-C. GRCh37 (hg19) VCF-style: chr19-51885822-CTG-C.
Other names: c.302-3_302-2del (NM_030657.4).
Identifiers: ClinVar variation 4883995 (VCV004883995.2).
Genomic context (GRCh38, chr19:51,382,568, plus strand): 5'-TGCCGGAGATGGCGCATAGGGCAGACAGGATCATGAAGGCCCGGGTGGCATTCCAGTATG[CTG>C]TGGGAGCACCCCATGGTCATTCCCACACCTCCCCTGCTCTAAGTGAGAGATGCTGCTACC-3'

ClinVar aggregate classification (germline): Uncertain significance (1 of 4 stars; one submission).

Submission:

Dasa
Classification: Uncertain significance. Last evaluated: 2025-06-13. Review status: criteria provided, single submitter. Criteria: DASA Assertion Criteria. Collection method: clinical testing. Allele origin: germline.
Comment: NM_001161748.2(LIM2):c.176-3_176-2del is a splice-region variant. This variant is absent from population databases. The currently available literature and clinical evidence are not sufficient to establish a definitive association between this variant and the reported condition. Therefore, this variant is classified as a variant of uncertain significance.